The following is an entry in ClinVar:

NM_000548.5(TSC2):c.993C>T (p.Asn331=)

Gene: TSC2 (TSC complex subunit 2; plus strand). Cytogenetic location: 16p13.3.
Variant type: single nucleotide variant.
Coding change: c.993C>T on transcript NM_000548.5 (MANE Select); coding-DNA position 993, C replaced by T.
Protein change: p.Asn331=; no amino-acid change (asparagine 331 retained).
Molecular consequence: synonymous variant.
Genome position (GRCh38, 1-based): chr16:2,060,687, C>T. VCF-style: chr16-2060687-C-T. GRCh37 (hg19) VCF-style: chr16-2110688-C-T.
Other names: c.993C>T, p.Asn331= (NM_001077183.3, NM_001114382.3, NM_001363528.2 and 3 more transcripts); c.882C>T, p.Asn294= (NM_001318827.2); c.846C>T, p.Asn282= (NM_001318829.2); c.393C>T, p.Asn131= (NM_001318831.2); c.1026C>T, p.Asn342= (NM_001318832.2).
Identifiers: ClinVar variation 49969 (VCV000049969.21), dbSNP rs45517153, ClinGen allele CA023251.

ClinVar aggregate classification (germline): Benign/Likely benign. Review status: criteria provided, multiple submitters, no conflicts (2 of 4 stars). 8 submissions from 8 submitters: Benign (2); Likely benign (5). 1 of the submissions does not count toward it. Last evaluated 2026-01-27.

Conditions:
Tuberous sclerosis 2 (TSC2). Identifiers: Orphanet 805, MedGen C1860707, MONDO:0013199, OMIM 613254.
Tuberous sclerosis syndrome (TSC). Also called: Tuberous Sclerosis Complex; Tuberous sclerosis. Identifiers: Orphanet 805, MedGen C0041341, MONDO:0001734.
Hereditary cancer-predisposing syndrome. Also called: Neoplastic Syndromes, Hereditary; Tumor predisposition; Hereditary Cancer Syndrome; Hereditary neoplastic syndrome. Identifiers: Orphanet 140162, MedGen C0027672, MeSH D009386, MONDO:0015356.

Allele frequency attached by ClinVar (database versions not stated): TOPMed below 0.00001; gnomAD exomes 0.00002.
gnomAD v4.1: 23 of 1,614,072 alleles (0.0014%); highest among the groups gnomAD compares: East Asian, 0.018%; no homozygotes.

Submissions (8):

Labcorp Genetics (formerly Invitae), Labcorp
Classification: Likely benign for Tuberous sclerosis 2. Last evaluated: 2026-01-27. Review status: criteria provided, single submitter. Criteria: Invitae Variant Classification Sherloc (09022015). Collection method: clinical testing. Allele origin: germline.

Myriad Genetics, Inc.
Classification: Benign for Tuberous sclerosis 2. Last evaluated: 2025-05-13. Review status: criteria provided, single submitter. Criteria: Myriad Autosomal Dominant, Autosomal Recessive and X-Linked Classification Criteria (2023). Collection method: clinical testing. Allele origin: unknown.
Comment: This variant is considered benign. This variant is a silent/synonymous amino acid change and it is not expected to impact splicing.

All of Us Research Program, National Institutes of Health
Classification: Likely benign for Tuberous sclerosis syndrome. Last evaluated: 2023-10-23. Review status: criteria provided, single submitter. Criteria: ACMG Guidelines, 2015. Collection method: clinical testing. Allele origin: germline. Inheritance: Autosomal dominant inheritance. Observed: 1 variant allele, 1 heterozygote.
Comment: This study involves interpretation of variants in research participants for the purpose of population health screening. Participant phenotype was not available at the time of variant classification. Additional details can be found in publication PMID: 35346344, PMCID: PMC8962531

Color Diagnostics, LLC DBA Color Health
Classification: Likely benign for Tuberous sclerosis syndrome. Last evaluated: 2022-09-15. Review status: criteria provided, single submitter. Criteria: ACMG Guidelines, 2015. Collection method: clinical testing. Allele origin: germline.

Genome-Nilou Lab
Classification: Benign for Tuberous sclerosis 2. Last evaluated: 2021-11-07. Review status: criteria provided, single submitter. Criteria: ACMG Guidelines, 2015. Collection method: clinical testing. Allele origin: germline. Affected: no.

Division of Genomic Medicine, Department of Advanced Medicine, Medical Research Institute, Kanazawa Medical University
Classification: Likely benign for Tuberous sclerosis 2. Last evaluated: 2020-07-10. Review status: criteria provided, single submitter. Criteria: ACMG Guidelines, 2015. Collection method: clinical testing. Allele origin: germline. Affected: yes. Observed: 1 variant allele.

Ambry Genetics
Classification: Likely benign for Hereditary cancer-predisposing syndrome. Last evaluated: 2017-10-17. Review status: criteria provided, single submitter. Criteria: Ambry Variant Classification Scheme 2023. Collection method: clinical testing. Allele origin: germline.

Tuberous sclerosis database (TSC2)
No classification provided. Condition: TSC. Review status: no classification provided. Criteria: Tuberous Sclerosis Database Assertion Criteria 2015. Collection method: curation. Allele origin: germline. Affected: yes. Not counted in ClinVar's aggregate classification.